The following is an entry in ClinVar:

NM_004725.4(BUB3):c.118C>T (p.Arg40Cys)

Genes: BUB3 (BUB3 mitotic checkpoint protein; plus strand), LOC130004885 (ATAC-STARR-seq lymphoblastoid active region 4151; plus strand). Cytogenetic location: 10q26.13.
Variant type: single nucleotide variant.
Coding change: c.118C>T on transcript NM_004725.4 (MANE Select); coding-DNA position 118, C replaced by T.
Protein change: p.Arg40Cys; replaces arginine 40 with cysteine.
Molecular consequence: missense variant.
Genome position (GRCh38, 1-based): chr10:123,155,035, C>T. VCF-style: chr10-123155035-C-T. GRCh37 (hg19) VCF-style: chr10-124914551-C-T.
Other names: c.118C>T, p.Arg40Cys (NM_001007793.3); short protein forms R40C.
Identifiers: ClinVar variation 3483267 (VCV003483267.1).

ClinVar aggregate classification (germline): Uncertain significance (1 of 4 stars; one submission).

Submission:

Ambry Genetics
Classification: Uncertain significance. Last evaluated: 2024-10-04. Review status: criteria provided, single submitter. Criteria: Ambry Variant Classification Scheme 2023. Collection method: clinical testing. Allele origin: germline.
Comment: The p.R40C variant (also known as c.118C>T), located in coding exon 1 of the BUB3 gene, results from a C to T substitution at nucleotide position 118. The arginine at codon 40 is replaced by cysteine, an amino acid with highly dissimilar properties. This amino acid position is conserved. In addition, this alteration is predicted to be deleterious by in silico analysis. Based on the available evidence, the clinical significance of this variant remains unclear.